The following is an entry in ClinVar:

ClinVar aggregate classification (germline): Conflicting classifications of pathogenicity. Review status: criteria provided, conflicting classifications (1 of 4 stars). 2 submissions from 2 submitters: Uncertain significance (1); Likely benign (1). Last evaluated 2021-08-31.

Allele frequency attached by ClinVar (database versions not stated): gnomAD exomes below 0.00001; TOPMed 0.00001.
gnomAD v4.1: 2 of 1,614,240 alleles (0.00012%); highest among the groups gnomAD compares: African/African-American, 0.0013%; no homozygotes.

Submissions (2):

Labcorp Genetics (formerly Invitae), Labcorp
Classification: Uncertain significance. Last evaluated: 2021-08-31. Review status: criteria provided, single submitter. Criteria: Invitae Variant Classification Sherloc (09022015). Collection method: clinical testing. Allele origin: germline.
Comment: This sequence change replaces arginine with cysteine at codon 1156 of the SZT2 protein (p.Arg1156Cys). The arginine residue is moderately conserved and there is a large physicochemical difference between arginine and cysteine. This variant is not present in population databases (ExAC no frequency). This variant has not been reported in the literature in individuals affected with SZT2-related conditions. Algorithms developed to predict the effect of missense changes on protein structure and function output the following: SIFT: "Tolerated"; PolyPhen-2: "Benign"; Align-GVGD: "Class C0". The cysteine amino acid residue is found in multiple mammalian species, which suggests that this missense change does not adversely affect protein function. In summary, the available evidence is currently insufficient to determine the role of this variant in disease. Therefore, it has been classified as a Variant of Uncertain Significance.

Blueprint Genetics
Classification: Likely benign. Last evaluated: 2019-08-29. Review status: criteria provided, single submitter. Criteria: ACMG Guidelines, 2015. Collection method: clinical testing. Allele origin: germline.

NM_001365999.1(SZT2):c.3637C>T (p.Arg1213Cys)

Gene: SZT2 (SZT2 subunit of KICSTOR complex; plus strand). Cytogenetic location: 1p34.2.
Variant type: single nucleotide variant.
Coding change: c.3637C>T on transcript NM_001365999.1 (MANE Select); coding-DNA position 3637, C replaced by T.
Protein change: p.Arg1213Cys; replaces arginine 1213 with cysteine.
Molecular consequence: missense variant.
Genome position (GRCh38, 1-based): chr1:43,427,568, C>T. VCF-style: chr1-43427568-C-T. GRCh37 (hg19) VCF-style: chr1-43893239-C-T.
Other names: c.3466C>T, p.Arg1156Cys (NM_015284.4); short protein forms R1156C, R1213C.
Identifiers: ClinVar variation 844135 (VCV000844135.8), dbSNP rs930413937, ClinGen allele CA21634565.